The following is an entry in ClinVar:

NM_004525.3(LRP2):c.1857G>A (p.Trp619Ter)

Gene: LRP2 (LDL receptor related protein 2; minus strand). Cytogenetic location: 2q31.1.
Variant type: single nucleotide variant.
Coding change: c.1857G>A on transcript NM_004525.3 (MANE Select); coding-DNA position 1857, G replaced by A.
Protein change: p.Trp619Ter; replaces tryptophan 619 with a stop codon.
Molecular consequence: nonsense.
Genome position (GRCh38, 1-based): chr2:169,275,154, C>T on the plus strand (G>A on the coding strand, the complement: LRP2 is on the minus strand). VCF-style: chr2-169275154-C-T. GRCh37 (hg19) VCF-style: chr2-170131664-C-T.
Other names: short protein forms W619*.
Identifiers: ClinVar variation 5015746 (VCV005015746.1).

ClinVar aggregate classification (germline): Pathogenic (1 of 4 stars; one submission).

Conditions:
Donnai-Barrow syndrome. Also called: DBS/FOAR SYNDROME; FACIOOCULOACOUSTICORENAL SYNDROME. Identifiers: Orphanet 2143, MedGen C1857277, MONDO:0009104, OMIM 222448.

gnomAD v4.1: 2 of 1,613,746 alleles (0.00012%); highest among the groups gnomAD compares: Non-Finnish European, 0.00017%; no homozygotes.

Submission:

Myriad Genetics, Inc.
Classification: Pathogenic for Donnai-Barrow syndrome. Last evaluated: 2026-03-29. Review status: criteria provided, single submitter. Criteria: Myriad Autosomal Dominant, Autosomal Recessive and X-Linked Classification Criteria (2023). Collection method: clinical testing. Allele origin: unknown.
Comment: NM_004525.2(LRP2):c.1857G>A(W619*) is expected to be pathogenic in the context of Donnai-Barrow syndrome. This variant is predicted to lead to an abnormal or absent protein product due to the creation of a premature termination codon in LRP2, a gene where loss-of-function variants are known to be pathogenic. Please note: this variant was assessed in the context of healthy population screening.